The following is an entry in ClinVar:

ClinVar aggregate classification (germline): Uncertain significance. Review status: criteria provided, multiple submitters, no conflicts (2 of 4 stars). 4 submissions from 4 submitters: Uncertain significance (4). Last evaluated 2026-01-27.

Conditions:
Myofibrillar myopathy 6. Identifiers: Orphanet 199340, MedGen C2751831, MONDO:0013061, OMIM 612954.
Dilated cardiomyopathy 1HH (CMD1HH). Identifiers: Orphanet 154, MedGen C3151293, MONDO:0013479, OMIM 613881.
Cardiovascular phenotype. Identifiers: MedGen CN230736.

Allele frequency attached by ClinVar (database versions not stated): gnomAD exomes 0.00001 and below 0.00001; TOPMed below 0.00001; ExAC 0.00001.
gnomAD v4.1: 3 of 1,614,006 alleles (0.00019%); highest among the groups gnomAD compares: Non-Finnish European, 0.00017%; no homozygotes.

Submissions (4):

GeneDx
Classification: Uncertain significance. Last evaluated: 2026-01-27. Review status: criteria provided, single submitter. Criteria: GeneDx Variant Classification Process June 2021. Collection method: clinical testing. Allele origin: germline.
Comment: Not observed at significant frequency in large population cohorts (gnomAD); In silico analysis suggests that this missense variant does not alter protein structure/function; Has not been previously published as pathogenic or benign to our knowledge

Labcorp Genetics (formerly Invitae), Labcorp
Classification: Uncertain significance for Dilated cardiomyopathy 1HH; Myofibrillar myopathy 6. Last evaluated: 2025-12-17. Review status: criteria provided, single submitter. Criteria: Invitae Variant Classification Sherloc (09022015). Collection method: clinical testing. Allele origin: germline.
Comment: This sequence change replaces alanine, which is neutral and non-polar, with valine, which is neutral and non-polar, at codon 186 of the BAG3 protein (p.Ala186Val). This variant is present in population databases (rs766766600, gnomAD 0.002%). This variant has not been reported in the literature in individuals affected with BAG3-related conditions. ClinVar contains an entry for this variant (Variation ID: 471802). Invitae Evidence Modeling of protein sequence and biophysical properties (such as structural, functional, and spatial information, amino acid conservation, physicochemical variation, residue mobility, and thermodynamic stability) indicates that this missense variant is not expected to disrupt BAG3 protein function with a negative predictive value of 80%. In summary, the available evidence is currently insufficient to determine the role of this variant in disease. Therefore, it has been classified as a Variant of Uncertain Significance.

Ambry Genetics
Classification: Uncertain significance for Cardiovascular phenotype. Last evaluated: 2024-03-27. Review status: criteria provided, single submitter. Criteria: Ambry Variant Classification Scheme 2023. Collection method: clinical testing. Allele origin: germline.
Comment: The p.A186V variant (also known as c.557C>T), located in coding exon 3 of the BAG3 gene, results from a C to T substitution at nucleotide position 557. The alanine at codon 186 is replaced by valine, an amino acid with similar properties. This amino acid position is conserved. In addition, this alteration is predicted to be tolerated by in silico analysis. Since supporting evidence is limited at this time, the clinical significance of this alteration remains unclear.

Fulgent Genetics
Classification: Uncertain significance for Myofibrillar myopathy 6; Dilated cardiomyopathy 1HH. Last evaluated: 2021-09-17. Review status: criteria provided, single submitter. Criteria: ACMG Guidelines, 2015. Collection method: clinical testing. Allele origin: unknown.

NM_004281.4(BAG3):c.557C>T (p.Ala186Val)

Gene: BAG3 (BAG cochaperone 3; plus strand). Cytogenetic location: 10q26.11.
Variant type: single nucleotide variant.
Coding change: c.557C>T on transcript NM_004281.4 (MANE Select); coding-DNA position 557, C replaced by T.
Protein change: p.Ala186Val; replaces alanine 186 with valine.
Molecular consequence: missense variant.
Genome position (GRCh38, 1-based): chr10:119,672,304, C>T. VCF-style: chr10-119672304-C-T. GRCh37 (hg19) VCF-style: chr10-121431816-C-T.
Other names: short protein forms A186V.
Identifiers: ClinVar variation 471802 (VCV000471802.14), dbSNP rs766766600, ClinGen allele CA5716366.